The following is an entry in ClinVar:

NM_001048174.2(MUTYH):c.264+3A>G

Gene: MUTYH (mutY DNA glycosylase; minus strand). Cytogenetic location: 1p34.1.
Variant type: single nucleotide variant.
Coding change: c.264+3A>G on transcript NM_001048174.2 (MANE Select); 3 bases into the intron after coding-DNA position 264, A replaced by G.
Molecular consequence: intron variant.
Genome position (GRCh38, 1-based): chr1:45,333,410, T>C on the plus strand (A>G on the coding strand, the complement: MUTYH is on the minus strand). VCF-style: chr1-45333410-T-C. GRCh37 (hg19) VCF-style: chr1-45799082-T-C.
Other names: c.264+3A>G (NM_001407072.1, NM_001407081.1, NM_001407088.1 and 6 more transcripts); c.-8+3A>G (NM_001350651.2, NM_001350650.2, NM_001407082.1); c.-13+3A>G (NM_001293192.2, NM_001407091.1, NM_001293196.2); c.306+3A>G (NM_001407073.1, NM_001407083.1, NM_001407085.1); c.267+3A>G (NM_001048172.2, NM_001407078.1, NM_001407086.1 and 2 more transcripts); c.297+3A>G (NM_001407077.1, NM_001293191.2); c.180+3A>G (NM_001407075.1); c.309+3A>G (NM_001293190.2); and 3 more.
Identifiers: ClinVar variation 5024995 (VCV005024995.1).
Genomic context (GRCh38, chr1:45,333,410, plus strand): 5'-GTTAGGGTGGAGGGGGCTGGGTGCCTGCCTCCCACCCACTGTCCCTGCTCCTCGCCTGCC[T>C]ACCCGTCTTCTCCATGGTAGGTCCCGTTTCTCTTGGTCGTACCAGCTTAGCAGGCTCCCT-3'

ClinVar aggregate classification (germline): Uncertain significance (1 of 4 stars; one submission).

Conditions:
Hereditary cancer-predisposing syndrome. Also called: Neoplastic Syndromes, Hereditary; Tumor predisposition; Hereditary neoplastic syndrome; Hereditary Cancer Syndrome. Identifiers: Orphanet 140162, MedGen C0027672, MeSH D009386, MONDO:0015356.

gnomAD v4.1: 1 of 1,614,214 alleles (0.000062%); highest among the groups gnomAD compares: South Asian, 0.0011%; no homozygotes.

Submission:

Ambry Genetics
Classification: Uncertain significance for Hereditary cancer-predisposing syndrome. Last evaluated: 2026-07-17. Review status: criteria provided, single submitter. Criteria: Ambry Variant Classification Scheme 2023. Collection method: clinical testing. Allele origin: germline.
Comment: The c.348+3A>G intronic variant results from an A to G substitution 3 nucleotides after coding exon 3 in the MUTYH gene. This nucleotide position is well conserved in available vertebrate species. In silico splice site analysis predicts that this alteration will weaken the native splice donor site; however, direct evidence is insufficient at this time (Ambry internal data). Based on the available evidence, the clinical significance of this variant remains unclear.